The following is an entry in ClinVar:

ClinVar aggregate classification (germline): Uncertain significance (1 of 4 stars; one submission).

gnomAD v4.1: 2 of 1,613,626 alleles (0.00012%); highest among the groups gnomAD compares: Non-Finnish European, 0.00017%; no homozygotes.

Submission:

Labcorp Genetics (formerly Invitae), Labcorp
Classification: Uncertain significance. Last evaluated: 2025-02-27. Review status: criteria provided, single submitter. Criteria: Invitae Variant Classification Sherloc (09022015). Collection method: clinical testing. Allele origin: germline.
Comment: This sequence change replaces leucine, which is neutral and non-polar, with proline, which is neutral and non-polar, at codon 314 of the ANKZF1 protein (p.Leu314Pro). The frequency data for this variant in the population databases is considered unreliable, as metrics indicate poor data quality at this position in the gnomAD database. This variant has not been reported in the literature in individuals affected with ANKZF1-related conditions. An algorithm developed to predict the effect of missense changes on protein structure and function (PolyPhen-2) suggests that this variant is likely to be disruptive. In summary, the available evidence is currently insufficient to determine the role of this variant in disease. Therefore, it has been classified as a Variant of Uncertain Significance.

NM_018089.3(ANKZF1):c.941T>C (p.Leu314Pro)

Gene: ANKZF1 (ankyrin repeat and zinc finger peptidyl tRNA hydrolase 1; plus strand). Cytogenetic location: 2q35.
Variant type: single nucleotide variant.
Coding change: c.941T>C on transcript NM_018089.3 (MANE Select); coding-DNA position 941, T replaced by C.
Protein change: p.Leu314Pro; replaces leucine 314 with proline.
Molecular consequence: missense variant.
Genome position (GRCh38, 1-based): chr2:219,233,836, T>C. VCF-style: chr2-219233836-T-C. GRCh37 (hg19) VCF-style: chr2-220098558-T-C.
Other names: c.941T>C, p.Leu314Pro (NM_001042410.2); c.311T>C, p.Leu104Pro (NM_001282792.2); short protein forms L314P, L104P.
Identifiers: ClinVar variation 4713596 (VCV004713596.1).